The following is an entry in ClinVar:

NM_000096.4(CP):c.209C>T (p.Ala70Val)

Gene: CP (ceruloplasmin; minus strand). Cytogenetic location: 3q25.1.
Variant type: single nucleotide variant.
Coding change: c.209C>T on transcript NM_000096.4 (MANE Select); coding-DNA position 209, C replaced by T.
Protein change: p.Ala70Val; replaces alanine 70 with valine.
Molecular consequence: missense variant. On other transcripts: non-coding transcript variant (1).
Genome position (GRCh38, 1-based): chr3:149,212,636, G>A on the plus strand (C>T on the coding strand, the complement: CP is on the minus strand). VCF-style: chr3-149212636-G-A. GRCh37 (hg19) VCF-style: chr3-148930423-G-A.
Other names: short protein forms A70V.
Identifiers: ClinVar variation 1516878 (VCV001516878.8), dbSNP rs2108302390, ClinGen allele CA354920362.

ClinVar aggregate classification (germline): Uncertain significance (1 of 4 stars; one submission).

Conditions:
Deficiency of ferroxidase (ACEP). Also called: Aceruloplasminemia; NEURODEGENERATION WITH BRAIN IRON ACCUMULATION 10; Deficiency of ceruloplasmin; Ceruloplasmin deficiency; Familial apoceruloplasmin deficiency; Hereditary ceruloplasmin deficiency. Identifiers: Orphanet 48818, MedGen C0878682, MONDO:0011426, OMIM 604290, HP:0025498.

Submission:

Labcorp Genetics (formerly Invitae), Labcorp
Classification: Uncertain significance for Deficiency of ferroxidase. Last evaluated: 2021-01-15. Review status: criteria provided, single submitter. Criteria: Invitae Variant Classification Sherloc (09022015). Collection method: clinical testing. Allele origin: germline.
Comment: This sequence change replaces alanine with valine at codon 70 of the CP protein (p.Ala70Val). The alanine residue is highly conserved and there is a small physicochemical difference between alanine and valine. This variant is not present in population databases (ExAC no frequency). This variant has not been reported in the literature in individuals with CP-related conditions. Algorithms developed to predict the effect of missense changes on protein structure and function (SIFT, PolyPhen-2, Align-GVGD) all suggest that this variant is likely to be disruptive, but these predictions have not been confirmed by published functional studies and their clinical significance is uncertain. Algorithms developed to predict the effect of sequence changes on RNA splicing suggest that this variant may create or strengthen a splice site, but this prediction has not been confirmed by published transcriptional studies. In summary, the available evidence is currently insufficient to determine the role of this variant in disease. Therefore, it has been classified as a Variant of Uncertain Significance.